The following is an entry in ClinVar:

ClinVar aggregate classification (germline): Conflicting classifications of pathogenicity. Review status: criteria provided, conflicting classifications (1 of 4 stars). 5 submissions from 5 submitters: Uncertain significance (1); Benign (1); Likely benign (3). Last evaluated 2026-09-09.

Conditions:
OTOF-related disorder. Also called: OTOF-related condition.

Allele frequency attached by ClinVar (database versions not stated): gnomAD exomes 0.00006 and 0.00010; ExAC 0.00012; gnomAD 0.00022 and 0.00027; ESP Exome Variant Server 0.00031; TOPMed 0.00032.
gnomAD v4.1: 130 of 1,613,806 alleles (0.0081%); highest among the groups gnomAD compares: African/African-American, 0.11%; 2 homozygotes.

Submissions (5):

PreventionGenetics, part of Exact Sciences
Classification: Likely benign for OTOF-related condition. Last evaluated: 2026-09-09. Review status: criteria provided, single submitter. Criteria: ACMG Guidelines, 2015. Collection method: clinical testing. Allele origin: germline.
Comment: This variant is classified as likely benign based on ACMG/AMP sequence variant interpretation guidelines (Richards et al. 2015 PMID: 25741868, with internal and published modifications).

Labcorp Genetics (formerly Invitae), Labcorp
Classification: Benign. Last evaluated: 2026-01-26. Review status: criteria provided, single submitter. Criteria: Invitae Variant Classification Sherloc (09022015). Collection method: clinical testing. Allele origin: germline.

Blueprint Genetics
Classification: Likely benign. Last evaluated: 2022-03-07. Review status: criteria provided, single submitter. Criteria: ACMG Guidelines, 2015. Collection method: clinical testing. Allele origin: germline.

Eurofins Ntd Llc (ga)
Classification: Uncertain significance. Last evaluated: 2017-11-08. Review status: criteria provided, single submitter. Criteria: EGL Classification Definitions 2015. Collection method: clinical testing. Allele origin: germline. Observed: 1 variant allele, 1 heterozygote.

Laboratory for Molecular Medicine, Mass General Brigham Personalized Medicine
Classification: Likely benign. Last evaluated: 2010-08-05. Review status: criteria provided, single submitter. Criteria: LMM Criteria. Collection method: clinical testing. Allele origin: germline. Observed: 1 variant allele.
Comment: Ala1313Ala in exon 32 of OTOF: This variant is not expected to have clinical sig nificance because it does not alter an amino acid residue and is not located nea r a splice junction.

NM_194248.3(OTOF):c.3939G>A (p.Ala1313=)

Gene: OTOF (otoferlin; minus strand). Cytogenetic location: 2p23.3.
Variant type: single nucleotide variant.
Coding change: c.3939G>A on transcript NM_194248.3 (MANE Select); coding-DNA position 3939, G replaced by A.
Protein change: p.Ala1313=; no amino-acid change (alanine 1313 retained).
Molecular consequence: synonymous variant.
Genome position (GRCh38, 1-based): chr2:26,470,677, C>T on the plus strand (G>A on the coding strand, the complement: OTOF is on the minus strand). VCF-style: chr2-26470677-C-T. GRCh37 (hg19) VCF-style: chr2-26693545-C-T.
Other names: c.3939G>A, p.Ala1313= (NM_001287489.2); c.1638G>A, p.Ala546= (NM_004802.4, NM_194323.3); c.1869G>A, p.Ala623= (NM_194322.3).
Identifiers: ClinVar variation 48228 (VCV000048228.15), dbSNP rs149566576, ClinGen allele CA142875.